The following is an entry in ClinVar:

NM_001854.4(COL11A1):c.2630G>C (p.Gly877Ala)

Gene: COL11A1 (collagen type XI alpha 1 chain; minus strand). Cytogenetic location: 1p21.1.
Variant type: single nucleotide variant.
Coding change: c.2630G>C on transcript NM_001854.4 (MANE Select); coding-DNA position 2630, G replaced by C.
Protein change: p.Gly877Ala; replaces glycine 877 with alanine.
Molecular consequence: missense variant. On other transcripts: non-coding transcript variant (1).
Genome position (GRCh38, 1-based): chr1:102,979,085, C>G on the plus strand (G>C on the coding strand, the complement: COL11A1 is on the minus strand). VCF-style: chr1-102979085-C-G. GRCh37 (hg19) VCF-style: chr1-103444641-C-G.
Other names: c.2630G>C (NM_001854.3); c.2513G>C, p.Gly838Ala (NM_001190709.2); c.2666G>C, p.Gly889Ala (NM_080629.3); c.2282G>C, p.Gly761Ala (NM_080630.4); short protein forms G761A, G838A, G877A, G889A.
Identifiers: ClinVar variation 3388951 (VCV003388951.15).

ClinVar aggregate classification (germline): Conflicting classifications of pathogenicity. Review status: criteria provided, conflicting classifications (1 of 4 stars). 2 submissions from 2 submitters: Likely pathogenic (1); Uncertain significance (1). Last evaluated 2024-12-26.

gnomAD v4.1: 1 of 1,614,102 alleles (0.000062%); highest among the groups gnomAD compares: Non-Finnish European, 0.000085%; no homozygotes.

Submissions (2):

GeneDx
Classification: Uncertain significance. Last evaluated: 2024-12-26. Review status: criteria provided, single submitter. Criteria: GeneDx Variant Classification Process June 2021. Collection method: clinical testing. Allele origin: germline. Affected: yes.
Comment: Has not been previously published as pathogenic or benign to our knowledge; Not observed at significant frequency in large population cohorts (gnomAD); In silico analysis supports that this missense variant has a deleterious effect on protein structure/function; This variant is associated with the following publications: (PMID: 25240749)

CeGaT Center for Human Genetics Tuebingen
Classification: Likely pathogenic. Last evaluated: 2024-11-01. Review status: criteria provided, single submitter. Criteria: CeGaT Center For Human Genetics Tuebingen Variant Classification Criteria Version 2. Collection method: clinical testing. Allele origin: germline. Affected: yes. Observed: 1 variant allele.
Comment: COL11A1: PM1:Strong, PM2, PP3